The following is an entry in ClinVar:

ClinVar aggregate classification (germline): Likely benign (1 of 4 stars; one submission).

Submission:

Mayo Clinic Laboratories, Mayo Clinic
Classification: Likely benign. Last evaluated: 2024-12-31. Review status: criteria provided, single submitter. Criteria: ACMG Guidelines, 2015. Collection method: clinical testing. Allele origin: germline. Observed: 1 variant allele.
Comment: BP4, BP7

NM_000435.3(NOTCH3):c.1110G>A (p.Pro370=)

Gene: NOTCH3 (notch receptor 3; minus strand). Cytogenetic location: 19p13.12.
Variant type: single nucleotide variant.
Coding change: c.1110G>A on transcript NM_000435.3 (MANE Select); coding-DNA position 1110, G replaced by A.
Protein change: p.Pro370=; no amino-acid change (proline 370 retained).
Molecular consequence: synonymous variant.
Genome position (GRCh38, 1-based): chr19:15,189,355, C>T on the plus strand (G>A on the coding strand, the complement: NOTCH3 is on the minus strand). VCF-style: chr19-15189355-C-T. GRCh37 (hg19) VCF-style: chr19-15300166-C-T.
Other names: p.Pro370=.
Identifiers: ClinVar variation 4684327 (VCV004684327.1).
Genomic context (GRCh38, chr19:15,189,355, plus strand): 5'-CTGGTCACATGCCCCACCCGTGAAGCCGGGAGGACAGGTGCAAATGGCCCGGCCGTTCAC[C>T]GGATTTGTGTCACAGATAGCATCCTCGTGGCAGGGGTTGCTGACACAGGCGTCATCCAGG-3'
Protein context (NP_000426.2, residues 360-380): CHEDAICDTN[Pro370=]VNGRAICTCP